The following is an entry in ClinVar:

NM_001161352.2(KCNMA1):c.2345C>T (p.Ser782Leu)

Genes: KCNMA1-AS1 (KCNMA1 antisense RNA 1; plus strand), KCNMA1 (potassium calcium-activated channel subfamily M alpha 1; minus strand). Cytogenetic location: 10q22.3.
Variant type: single nucleotide variant.
Coding change: c.2345C>T on transcript NM_001161352.2 (MANE Select); coding-DNA position 2345, C replaced by T.
Protein change: p.Ser782Leu; replaces serine 782 with leucine.
Molecular consequence: missense variant.
Genome position (GRCh38, 1-based): chr10:76,969,989, G>A on the plus strand (C>T on the coding strand, the complement: KCNMA1 is on the minus strand). VCF-style: chr10-76969989-G-A. GRCh37 (hg19) VCF-style: chr10-78729747-G-A.
Other names: c.2183C>T, p.Ser728Leu (NM_001014797.3, NM_001322835.2, NM_001322837.2); c.2171C>T, p.Ser724Leu (NM_001161353.2, NM_001322832.2, NM_002247.4); c.2021C>T, p.Ser674Leu (NM_001271518.2); c.2180C>T, p.Ser727Leu (NM_001271519.2, NM_001322829.2, NM_001322836.2); c.2192C>T, p.Ser731Leu (NM_001322830.2); c.1718C>T, p.Ser573Leu (NM_001322838.2); short protein forms S573L, S727L, S728L, S731L, S674L, S724L, S782L.
Identifiers: ClinVar variation 944721 (VCV000944721.10), dbSNP rs145067821, ClinGen allele CA5568123.

ClinVar aggregate classification (germline): Uncertain significance (1 of 4 stars; one submission).

Conditions:
Generalized epilepsy-paroxysmal dyskinesia syndrome (PNKD3). Also called: Paroxysmal nonkinesigenic dyskinesia, 3, with or without generalized epilepsy; Generalized epilepsy and paroxysmal dyskinesia. Identifiers: Orphanet 79137, MedGen C5574945, MONDO:0012276, OMIM 609446.

Allele frequency attached by ClinVar (database versions not stated): gnomAD exomes below 0.00001 and 0.00001; gnomAD 0.00001; ExAC 0.00002; TOPMed 0.00003; ESP Exome Variant Server 0.00015.
gnomAD v4.1: 6 of 1,613,740 alleles (0.00037%); highest among the groups gnomAD compares: African/African-American, 0.0053%; no homozygotes.

Submission:

Labcorp Genetics (formerly Invitae), Labcorp
Classification: Uncertain significance for Generalized epilepsy-paroxysmal dyskinesia syndrome. Last evaluated: 2025-07-05. Review status: criteria provided, single submitter. Criteria: Invitae Variant Classification Sherloc (09022015). Collection method: clinical testing. Allele origin: germline.
Comment: This sequence change replaces serine, which is neutral and polar, with leucine, which is neutral and non-polar, at codon 724 of the KCNMA1 protein (p.Ser724Leu). This variant is present in population databases (rs145067821, gnomAD 0.007%). This variant has not been reported in the literature in individuals affected with KCNMA1-related conditions. ClinVar contains an entry for this variant (Variation ID: 944721). Invitae Evidence Modeling of protein sequence and biophysical properties (such as structural, functional, and spatial information, amino acid conservation, physicochemical variation, residue mobility, and thermodynamic stability) indicates that this missense variant is not expected to disrupt KCNMA1 protein function with a negative predictive value of 80%. In summary, the available evidence is currently insufficient to determine the role of this variant in disease. Therefore, it has been classified as a Variant of Uncertain Significance.